The following is an entry in ClinVar:

NM_001008537.3(NEXMIF):c.1541G>A (p.Gly514Asp)

Gene: NEXMIF (neurite extension and migration factor; minus strand). Cytogenetic location: Xq13.3.
Variant type: single nucleotide variant.
Coding change: c.1541G>A on transcript NM_001008537.3 (MANE Select); coding-DNA position 1541, G replaced by A.
Protein change: p.Gly514Asp; replaces glycine 514 with aspartic acid.
Molecular consequence: missense variant.
Genome position (GRCh38, 1-based): chrX:74,743,016, C>T on the plus strand (G>A on the coding strand, the complement: NEXMIF is on the minus strand). VCF-style: chrX-74743016-C-T. GRCh37 (hg19) VCF-style: chrX-73962851-C-T.
Other names: short protein forms G514D.
Identifiers: ClinVar variation 2706229 (VCV002706229.3), dbSNP rs2080112679, ClinGen allele CA413670270.

ClinVar aggregate classification (germline): Uncertain significance (1 of 4 stars; one submission).

Submission:

Labcorp Genetics (formerly Invitae), Labcorp
Classification: Uncertain significance. Last evaluated: 2024-01-06. Review status: criteria provided, single submitter. Criteria: Invitae Variant Classification Sherloc (09022015). Collection method: clinical testing. Allele origin: germline.
Comment: This sequence change replaces glycine, which is neutral and non-polar, with aspartic acid, which is acidic and polar, at codon 514 of the NEXMIF protein (p.Gly514Asp). This variant is not present in population databases (gnomAD no frequency). This variant has not been reported in the literature in individuals affected with NEXMIF-related conditions. An algorithm developed to predict the effect of missense changes on protein structure and function (PolyPhen-2) suggests that this variant is likely to be disruptive. In summary, the available evidence is currently insufficient to determine the role of this variant in disease. Therefore, it has been classified as a Variant of Uncertain Significance.